The following is an entry in ClinVar:

NM_007315.4(STAT1):c.143A>G (p.Asn48Ser)

Gene: STAT1 (signal transducer and activator of transcription 1; minus strand). Cytogenetic location: 2q32.2.
Variant type: single nucleotide variant.
Coding change: c.143A>G on transcript NM_007315.4 (MANE Select); coding-DNA position 143, A replaced by G.
Protein change: p.Asn48Ser; replaces asparagine 48 with serine.
Molecular consequence: missense variant.
Genome position (GRCh38, 1-based): chr2:191,009,093, T>C on the plus strand (A>G on the coding strand, the complement: STAT1 is on the minus strand). VCF-style: chr2-191009093-T-C. GRCh37 (hg19) VCF-style: chr2-191873819-T-C.
Other names: c.143A>G, p.Asn48Ser (NM_001384880.1, NM_001384882.1, NM_001384883.1 and 7 more transcripts); c.149A>G, p.Asn50Ser (NM_001384881.1, NM_001384884.1); c.179A>G, p.Asn60Ser (NM_001384891.1); short protein forms N50S, N48S, N60S.
Identifiers: ClinVar variation 2070359 (VCV002070359.4), dbSNP rs1410517497, ClinGen allele CA349928124.

ClinVar aggregate classification (germline): Uncertain significance (1 of 4 stars; one submission).

Conditions:
Mendelian susceptibility to mycobacterial diseases due to partial STAT1 deficiency. Also called: IMMUNODEFICIENCY 31A, MYCOBACTERIOSIS, AUTOSOMAL DOMINANT; STAT1 DEFICIENCY, AUTOSOMAL DOMINANT; Immunodeficiency 31a. Identifiers: Orphanet 319595, MedGen C4013950, MONDO:0013956, OMIM 614892.
Autoimmune enteropathy and endocrinopathy - susceptibility to chronic infections syndrome. Also called: Immunodeficiency 31C, autosomal dominant; Immunodeficiency 31C. Identifiers: Orphanet 391487, MedGen C3279990, MONDO:0013599, OMIM 614162.
Immunodeficiency 31B. Also called: STAT1 DEFICIENCY, AUTOSOMAL RECESSIVE; IMMUNODEFICIENCY 31B, MYCOBACTERIAL AND VIRAL INFECTIONS, AUTOSOMAL RECESSIVE. Identifiers: Orphanet 391311, MedGen C3151088, MONDO:0013427, OMIM 613796.

Allele frequency attached by ClinVar (database versions not stated): TOPMed 0.00001.
gnomAD v4.1: 10 of 1,614,112 alleles (0.00062%); highest among the groups gnomAD compares: Non-Finnish European, 0.00076%; no homozygotes.

Submission:

Labcorp Genetics (formerly Invitae), Labcorp
Classification: Uncertain significance for Mendelian susceptibility to mycobacterial diseases due to partial STAT1 deficiency; Immunodeficiency 31B; Autoimmune enteropathy and endocrinopathy - susceptibility to chronic infections syndrome. Last evaluated: 2024-12-09. Review status: criteria provided, single submitter. Criteria: Invitae Variant Classification Sherloc (09022015). Collection method: clinical testing. Allele origin: germline.
Comment: This sequence change replaces asparagine, which is neutral and polar, with serine, which is neutral and polar, at codon 48 of the STAT1 protein (p.Asn48Ser). This variant is present in population databases (no rsID available, gnomAD 0.0009%). This variant has not been reported in the literature in individuals affected with STAT1-related conditions. ClinVar contains an entry for this variant (Variation ID: 2070359). An algorithm developed to predict the effect of missense changes on protein structure and function (PolyPhen-2) suggests that this variant is likely to be tolerated. In summary, the available evidence is currently insufficient to determine the role of this variant in disease. Therefore, it has been classified as a Variant of Uncertain Significance.